The following is an entry in ClinVar:

ClinVar aggregate classification (germline): Uncertain significance (1 of 4 stars; one submission).

gnomAD v4.1: 30 of 1,586,002 alleles (0.0019%); highest among the groups gnomAD compares: Middle Eastern, 0.034%; no homozygotes.

Submission:

Women's Health and Genetics/Laboratory Corporation of America, LabCorp
Classification: Uncertain significance. Last evaluated: 2024-08-28. Review status: criteria provided, single submitter. Criteria: LabCorp Variant Classification Summary - May 2015. Collection method: clinical testing. Allele origin: germline.
Comment: Variant summary: GAL c.81G>A (p.Pro27Pro) alters a non-conserved nucleotide located close to a canonical splice site and therefore could affect mRNA splicing, leading to a significantly altered protein sequence. Several computational tools predict a significant impact on normal splicing: Three predict the variant weakens the canonical 5' donor site whereas one predicts the variant has no significant impact on splicing at this site. Two also predict the variant creates a 3' acceptor site. However, these predictions have yet to be confirmed by functional studies. Furthermore, the mechanism of disease for this gene has yet to be established. The variant allele was found at a frequency of 2e-05 in 203374 control chromosomes. The available data on variant occurrences in the general population are insufficient to allow any conclusion about variant significance. To our knowledge, no occurrence of c.81G>A in individuals affected with Familial Temporal Lobe Epilepsy 8 and no experimental evidence demonstrating its impact on protein function have been reported. No submitters have cited clinical-significance assessments for this variant to ClinVar. Based on the evidence outlined above, the variant was classified as uncertain significance.

NM_015973.5(GAL):c.81G>A (p.Pro27=)

Gene: GAL (galanin and GMAP prepropeptide; plus strand). Cytogenetic location: 11q13.2.
Variant type: single nucleotide variant.
Coding change: c.81G>A on transcript NM_015973.5 (MANE Select); coding-DNA position 81, G replaced by A.
Protein change: p.Pro27=; no amino-acid change (proline 27 retained).
Molecular consequence: synonymous variant.
Genome position (GRCh38, 1-based): chr11:68,685,004, G>A. VCF-style: chr11-68685004-G-A. GRCh37 (hg19) VCF-style: chr11-68452472-G-A.
Identifiers: ClinVar variation 3366545 (VCV003366545.1).
Genomic context (GRCh38, chr11:68,685,004, plus strand): 5'-CCTGCTCGCCTCCCTCCTCCTCGCCGCGGCCCTTTCTGCCTCTGCGGGGCTCTGGTCGCC[G>A]GTAAGTGCGGGGCGCGTCTCCTCCGAGCGAAGGGGACATCAGAGCCGGCCGGGCGTGGAG-3'
Protein context (NP_057057.2, residues 17-37): ALSASAGLWS[Pro27=]AKEKRGWTLN